The following is an entry in ClinVar:

NC_000009.11:g.(?_133327601)_(133376418_?)del

Gene: ASS1 (argininosuccinate synthase 1; plus strand). Cytogenetic location: 9q34.11.
Variant type: Deletion.
Identifiers: ClinVar variation 3245088 (VCV003245088.1).

ClinVar aggregate classification (germline): Pathogenic (1 of 4 stars; one submission).

Conditions:
Citrullinemia. Identifiers: Orphanet 187, MedGen C0175683, MONDO:0015991.

Submission:

Labcorp Genetics (formerly Invitae), Labcorp
Classification: Pathogenic for Citrullinemia. Last evaluated: 2022-11-09. Review status: criteria provided, single submitter. Criteria: Invitae Variant Classification Sherloc (09022015). Collection method: clinical testing. Allele origin: unknown.
Comment: A gross deletion of the genomic region encompassing the full coding sequence of the ASS1 gene has been identified. Loss-of-function variants in ASS1 are known to be pathogenic (PMID: 18473344, 19006241). The boundaries of this event are unknown as they extend beyond the assayed region for this gene and therefore may encompass additional genes. For these reasons, this variant has been classified as Pathogenic. This variant has not been reported in the literature in individuals affected with ASS1-related conditions.

Literature cited by the submitters: PubMed 18473344; PubMed 19006241.